The following is an entry in ClinVar:

NM_001079866.2(BCS1L):c.979G>A (p.Val327Met)

Gene: BCS1L (BCS1 ubiquinol-cytochrome c reductase complex chaperone; plus strand). Cytogenetic location: 2q35.
Variant type: single nucleotide variant.
Coding change: c.979G>A on transcript NM_001079866.2 (MANE Select); coding-DNA position 979, G replaced by A.
Protein change: p.Val327Met; replaces valine 327 with methionine.
Molecular consequence: missense variant. On other transcripts: non-coding transcript variant (1).
Genome position (GRCh38, 1-based): chr2:218,662,972, G>A. VCF-style: chr2-218662972-G-A. GRCh37 (hg19) VCF-style: chr2-219527695-G-A.
Other names: c.979G>A, p.Val327Met (NM_001257342.2, NM_001257343.2, NM_001257344.2 and 10 more transcripts); c.619G>A, p.Val207Met (NM_001318836.2, NM_001371451.1); c.478G>A, p.Val160Met (NM_001371452.1, NM_001371453.1, NM_001371454.1 and 3 more transcripts); short protein forms V160M, V207M, V327M.
Identifiers: ClinVar variation 2161557 (VCV002161557.3), dbSNP rs774076186, ClinGen allele CA2109806.

ClinVar aggregate classification (germline): Uncertain significance. Review status: criteria provided, multiple submitters, no conflicts (2 of 4 stars). 2 submissions from 2 submitters: Uncertain significance (2). Last evaluated 2025-01-06.

Allele frequency attached by ClinVar (database versions not stated): ExAC 0.00003; gnomAD 0.00003; TOPMed 0.00005.
gnomAD v4.1: 35 of 1,613,762 alleles (0.0022%); highest among the groups gnomAD compares: Middle Eastern, 0.033%; no homozygotes.

Submissions (2):

Labcorp Genetics (formerly Invitae), Labcorp
Classification: Uncertain significance. Last evaluated: 2025-01-06. Review status: criteria provided, single submitter. Criteria: Invitae Variant Classification Sherloc (09022015). Collection method: clinical testing. Allele origin: germline.
Comment: This sequence change replaces valine, which is neutral and non-polar, with methionine, which is neutral and non-polar, at codon 327 of the BCS1L protein (p.Val327Met). This variant is present in population databases (rs774076186, gnomAD 0.01%). This variant has not been reported in the literature in individuals affected with BCS1L-related conditions. ClinVar contains an entry for this variant (Variation ID: 2161557). Invitae Evidence Modeling of protein sequence and biophysical properties (such as structural, functional, and spatial information, amino acid conservation, physicochemical variation, residue mobility, and thermodynamic stability) has been performed for this missense variant. However, the output from this modeling did not meet the statistical confidence thresholds required to predict the impact of this variant on BCS1L protein function. In summary, the available evidence is currently insufficient to determine the role of this variant in disease. Therefore, it has been classified as a Variant of Uncertain Significance.

Blueprint Genetics
Classification: Uncertain significance. Last evaluated: 2024-09-23. Review status: criteria provided, single submitter. Criteria: ACMG Guidelines, 2015. Collection method: clinical testing. Allele origin: germline.